The following is an entry in ClinVar:

ClinVar aggregate classification (germline): Uncertain significance (1 of 4 stars; one submission).

Allele frequency attached by ClinVar (database versions not stated): gnomAD exomes 0.00001.
gnomAD v4.1: 3 of 1,613,826 alleles (0.00019%); highest among the groups gnomAD compares: Non-Finnish European, 0.00025%; no homozygotes.

Submission:

Labcorp Genetics (formerly Invitae), Labcorp
Classification: Uncertain significance. Last evaluated: 2022-08-09. Review status: criteria provided, single submitter. Criteria: Invitae Variant Classification Sherloc (09022015). Collection method: clinical testing. Allele origin: germline.
Comment: This variant has not been reported in the literature in individuals affected with RASA2-related conditions. This variant is not present in population databases (gnomAD no frequency). This sequence change replaces histidine, which is basic and polar, with glutamine, which is neutral and polar, at codon 678 of the RASA2 protein (p.His678Gln). ClinVar contains an entry for this variant (Variation ID: 1473756). In summary, the available evidence is currently insufficient to determine the role of this variant in disease. Therefore, it has been classified as a Variant of Uncertain Significance. Algorithms developed to predict the effect of missense changes on protein structure and function are either unavailable or do not agree on the potential impact of this missense change (SIFT: "Tolerated"; PolyPhen-2: "Possibly Damaging"; Align-GVGD: "Class C0").

NM_006506.5(RASA2):c.2034T>G (p.His678Gln)

Gene: RASA2 (RAS p21 protein activator 2; plus strand). Cytogenetic location: 3q23.
Variant type: single nucleotide variant.
Coding change: c.2034T>G on transcript NM_006506.5 (MANE Select); coding-DNA position 2034, T replaced by G.
Protein change: p.His678Gln; replaces histidine 678 with glutamine.
Molecular consequence: missense variant.
Genome position (GRCh38, 1-based): chr3:141,608,506, T>G. VCF-style: chr3-141608506-T-G. GRCh37 (hg19) VCF-style: chr3-141327348-T-G.
Other names: c.2037T>G, p.His679Gln (NM_001303245.3); c.2046T>G, p.His682Gln (NM_001303246.3); short protein forms H682Q, H678Q, H679Q.
Identifiers: ClinVar variation 1473756 (VCV001473756.6), dbSNP rs2107801510, ClinGen allele CA354774144.
Genomic context (GRCh38, chr3:141,608,506, plus strand): 5'-TTGGACTCTTGTCACTAACTTTTTATCTTAATTGCCTATGAAGATGTTCCAAGTAATACA[T>G]ACGGAGAAACCACTCTATGTCCAGGCAAATAACTGTGTAGAAGCTAATGAATGGATAGAC-3'
Protein context (NP_006497.2, residues 668-688): FNKKNMFQVI[His678Gln]TEKPLYVQAN